The following is an entry in ClinVar:

ClinVar aggregate classification (germline): Uncertain significance (0 of 4 stars; one submission).

Conditions:
NOTCH2-related disorder. Also called: NOTCH2-related condition.

Submission:

PreventionGenetics, part of Exact Sciences
Classification: Uncertain significance for NOTCH2-related condition. Last evaluated: 2024-05-27. Review status: no assertion criteria provided. Collection method: clinical testing. Allele origin: germline.
Comment: The NOTCH2 c.2731G>C variant is predicted to result in the amino acid substitution p.Asp911His. To our knowledge, this variant has not been reported in the literature or in a large population database, indicating this variant is rare. At this time, the clinical significance of this variant is uncertain due to the absence of conclusive functional and genetic evidence.

NM_024408.4(NOTCH2):c.2731G>C (p.Asp911His)

Gene: NOTCH2 (notch receptor 2; minus strand). Cytogenetic location: 1p12.
Variant type: single nucleotide variant.
Coding change: c.2731G>C on transcript NM_024408.4 (MANE Select); coding-DNA position 2731, G replaced by C.
Protein change: p.Asp911His; replaces aspartic acid 911 with histidine.
Molecular consequence: missense variant.
Genome position (GRCh38, 1-based): chr1:119,948,435, C>G on the plus strand (G>C on the coding strand, the complement: NOTCH2 is on the minus strand). VCF-style: chr1-119948435-C-G. GRCh37 (hg19) VCF-style: chr1-120491058-C-G.
Other names: c.2731G>C, p.Asp911His (NM_001200001.2); short protein forms D911H.
Identifiers: ClinVar variation 3357779 (VCV003357779.1).